The following is an entry in ClinVar:

ClinVar aggregate classification (germline): Conflicting classifications of pathogenicity. Review status: criteria provided, conflicting classifications (1 of 4 stars). 3 submissions from 3 submitters: Uncertain significance (1); Likely benign (2). Last evaluated 2026-01-22.

Conditions:
Combined immunodeficiency with skin granulomas. Identifiers: Orphanet 157949, MedGen C2673536, MONDO:0009306, OMIM 233650.
Severe combined immunodeficiency, autosomal recessive, T cell-negative, B cell-negative, NK cell-positive. Also called: SCID, AR, T-cell negative, B-cell negative, NK cell-positive; Severe combined immunodeficiency due to complete RAG1/2 deficiency; SCID, T CELL-NEGATIVE, B CELL-NEGATIVE, NK CELL-POSITIVE. Identifiers: Orphanet 331206, MedGen C1832322, MONDO:0011086, OMIM 601457.

Allele frequency attached by ClinVar (database versions not stated): gnomAD 0.00001 and 0.00003; gnomAD exomes 0.00002 and 0.00017; TOPMed 0.00007; ExAC 0.00017.
gnomAD v4.1: 38 of 1,614,158 alleles (0.0024%); highest among the groups gnomAD compares: East Asian, 0.08%; no homozygotes.

Submissions (3):

Labcorp Genetics (formerly Invitae), Labcorp
Classification: Likely benign for Combined immunodeficiency with skin granulomas; Severe combined immunodeficiency, autosomal recessive, T cell-negative, B cell-negative, NK cell-positive. Last evaluated: 2026-01-22. Review status: criteria provided, single submitter. Criteria: Invitae Variant Classification Sherloc (09022015). Collection method: clinical testing. Allele origin: germline.

GeneDx
Classification: Uncertain significance. Last evaluated: 2025-05-19. Review status: criteria provided, single submitter. Criteria: GeneDx Variant Classification Process June 2021. Collection method: clinical testing. Allele origin: germline. Affected: yes.
Comment: Identified in the heterozygous state along with another heterozygous variant (K136D), phase unknown, in a patient with OMENN syndrome in published literature (PMID: 16960852); In silico analysis supports that this missense variant does not alter protein structure/function; This variant is associated with the following publications: (PMID: 27825771, 16960852)

Women's Health and Genetics/Laboratory Corporation of America, LabCorp
Classification: Likely benign. Last evaluated: 2021-12-16. Review status: criteria provided, single submitter. Criteria: LabCorp Variant Classification Summary - May 2015. Collection method: clinical testing. Allele origin: germline.
Comment: Variant summary: RAG1 c.575G>A (p.Cys192Tyr) results in a non-conservative amino acid change in the encoded protein sequence. Two of four in-silico tools predict a benign effect of the variant on protein function. The variant allele was found at a frequency of 0.00017 in 250944 control chromosomes, predominantly at a frequency of 0.0022 within the East Asian subpopulation in the gnomAD database. The observed variant frequency within East Asian control individuals in the gnomAD database is approximately 1.39 fold of the estimated maximal expected allele frequency for a pathogenic variant in RAG1 causing Severe Combined Immunodeficiency phenotype (0.0016), strongly suggesting that the variant is a benign polymorphism found primarily in populations of East Asian origin. c.575G>A has been reported in the literature in individuals affected with Omenn Syndrome (Sobacchi_2006). These data do not allow any conclusion about variant significance. To our knowledge, no experimental evidence demonstrating an impact on protein function has been reported. One clinical diagnostic laboratory has submitted clinical-significance assessments for this variant to ClinVar after 2014 without evidence for independent evaluation. One laboratory classified the variant as likely benign. Based on the evidence outlined above, the variant was classified as likely benign.

Literature cited by the submitters: PubMed 16960852 (cited by Women's Health and Genetics/Laboratory Corporation of America, LabCorp).

NM_000448.3(RAG1):c.575G>A (p.Cys192Tyr)

Gene: RAG1 (recombination activating 1; plus strand). Cytogenetic location: 11p12.
Variant type: single nucleotide variant.
Coding change: c.575G>A on transcript NM_000448.3 (MANE Select); coding-DNA position 575, G replaced by A.
Protein change: p.Cys192Tyr; replaces cysteine 192 with tyrosine.
Molecular consequence: missense variant.
Genome position (GRCh38, 1-based): chr11:36,573,879, G>A. VCF-style: chr11-36573879-G-A. GRCh37 (hg19) VCF-style: chr11-36595429-G-A.
Other names: c.575G>A, p.Cys192Tyr (NM_001377277.1, NM_001377278.1, NM_001377279.1 and 1 more transcripts); short protein forms C192Y.
Identifiers: ClinVar variation 1145716 (VCV001145716.11), dbSNP rs752955928, ClinGen allele CA5950008.